The following is an entry in ClinVar:

NM_000179.3(MSH6):c.2937G>T (p.Leu979=)

Gene: MSH6 (mutS homolog 6; plus strand). Cytogenetic location: 2p16.3.
Variant type: single nucleotide variant.
Coding change: c.2937G>T on transcript NM_000179.3 (MANE Select); coding-DNA position 2937, G replaced by T.
Protein change: p.Leu979=; no amino-acid change (leucine 979 retained).
Molecular consequence: synonymous variant.
Genome position (GRCh38, 1-based): chr2:47,800,920, G>T. VCF-style: chr2-47800920-G-T. GRCh37 (hg19) VCF-style: chr2-48028059-G-T.
Other names: c.2547G>T, p.Leu849= (NM_001281492.2); c.2031G>T, p.Leu677= (NM_001281493.2, NM_001281494.2).
Identifiers: ClinVar variation 525895 (VCV000525895.17), dbSNP rs757691799, ClinGen allele CA069838.

ClinVar aggregate classification (germline): Benign/Likely benign. Review status: criteria provided, multiple submitters, no conflicts (2 of 4 stars). 3 submissions from 3 submitters: Benign (1); Likely benign (2). Last evaluated 2025-09-12.

Conditions:
Hereditary cancer-predisposing syndrome. Also called: Neoplastic Syndromes, Hereditary; Tumor predisposition; Hereditary Cancer Syndrome; Hereditary neoplastic syndrome. Identifiers: Orphanet 140162, MedGen C0027672, MeSH D009386, MONDO:0015356.
Hereditary nonpolyposis colorectal neoplasms. Identifiers: MedGen C0009405, MeSH D003123.
Lynch syndrome 5 (LYNCH5). Also called: Colorectal cancer, hereditary nonpolyposis, type 5; Hereditary non-polyposis colorectal cancer, type 5. Identifiers: Orphanet 144, MedGen C1833477, MONDO:0013710, OMIM 614350. Disease mechanism: loss of function.

Allele frequency attached by ClinVar (database versions not stated): gnomAD exomes below 0.00001; ExAC 0.00001.
gnomAD v4.1: 1 of 1,579,240 alleles (0.000063%); highest among the groups gnomAD compares: Non-Finnish European, 0.000086%; no homozygotes.

Submissions (3):

Labcorp Genetics (formerly Invitae), Labcorp
Classification: Likely benign for Hereditary nonpolyposis colorectal neoplasms. Last evaluated: 2025-09-12. Review status: criteria provided, single submitter. Criteria: Invitae Variant Classification Sherloc (09022015). Collection method: clinical testing. Allele origin: germline.

Myriad Genetics, Inc.
Classification: Benign for Lynch syndrome 5. Last evaluated: 2025-01-02. Review status: criteria provided, single submitter. Criteria: Myriad Autosomal Dominant, Autosomal Recessive and X-Linked Classification Criteria (2023). Collection method: clinical testing. Allele origin: unknown.
Comment: This variant is considered benign. This variant is a silent/synonymous amino acid change and it is not expected to impact splicing.

Ambry Genetics
Classification: Likely benign for Hereditary cancer-predisposing syndrome. Last evaluated: 2018-04-10. Review status: criteria provided, single submitter. Criteria: Ambry Variant Classification Scheme 2023. Collection method: clinical testing. Allele origin: germline.